The following is an entry in ClinVar:

NM_015158.5(KANK1):c.1591A>G (p.Met531Val)

Gene: KANK1 (KN motif and ankyrin repeat domains 1; plus strand). Cytogenetic location: 9p24.3.
Variant type: single nucleotide variant.
Coding change: c.1591A>G on transcript NM_015158.5 (MANE Select); coding-DNA position 1591, A replaced by G.
Protein change: p.Met531Val; replaces methionine 531 with valine.
Molecular consequence: missense variant. On other transcripts: non-coding transcript variant (1).
Genome position (GRCh38, 1-based): chr9:712,357, A>G. VCF-style: chr9-712357-A-G. GRCh37 (hg19) VCF-style: chr9-712357-A-G.
Other names: c.1591A>G, p.Met531Val (NM_001256876.3, NM_001256877.3, NM_001354331.2 and 2 more transcripts); c.1117A>G, p.Met373Val (NM_001354333.2, NM_001354335.2, NM_001354336.2 and 9 more transcripts); short protein forms M531V, M373V.
Identifiers: ClinVar variation 2193925 (VCV002193925.4), dbSNP rs201213496, ClinGen allele CA4960254.
Genomic context (GRCh38, chr9:712,357, plus strand): 5'-GTTTTCAGTAAGGTGGTGGAGGCAGTGGTGCAGACCAGAGACCAAATGGTCGGCAGTCAC[A>G]TGGACCTGGTGGACACGTGTGTTGGGACCTCCGTGGAAACAAACAGTGTAGGCATCTCCT-3'
Protein context (NP_055973.2, residues 521-541): QTRDQMVGSH[Met531Val]DLVDTCVGTS

ClinVar aggregate classification (germline): Uncertain significance (1 of 4 stars; one submission).

Allele frequency attached by ClinVar (database versions not stated): gnomAD 0.00002; gnomAD exomes 0.00002; TOPMed 0.00004; ExAC 0.00007; 1000 Genomes Project 0.00020; 1000 Genomes Project 30x 0.00031.
gnomAD v4.1: 13 of 1,614,206 alleles (0.00081%); highest among the groups gnomAD compares: Admixed American, 0.015%; no homozygotes.

Submission:

Labcorp Genetics (formerly Invitae), Labcorp
Classification: Uncertain significance. Last evaluated: 2025-03-17. Review status: criteria provided, single submitter. Criteria: Invitae Variant Classification Sherloc (09022015). Collection method: clinical testing. Allele origin: germline.
Comment: This sequence change replaces methionine, which is neutral and non-polar, with valine, which is neutral and non-polar, at codon 531 of the KANK1 protein (p.Met531Val). This variant is present in population databases (rs201213496, gnomAD 0.03%). This variant has not been reported in the literature in individuals affected with KANK1-related conditions. ClinVar contains an entry for this variant (Variation ID: 2193925). Invitae Evidence Modeling of protein sequence and biophysical properties (such as structural, functional, and spatial information, amino acid conservation, physicochemical variation, residue mobility, and thermodynamic stability) indicates that this missense variant is not expected to disrupt KANK1 protein function with a negative predictive value of 80%. In summary, the available evidence is currently insufficient to determine the role of this variant in disease. Therefore, it has been classified as a Variant of Uncertain Significance.